The following is an entry in ClinVar:

NM_002972.4(SBF1):c.2329C>T (p.Arg777Cys)

Gene: SBF1 (SET binding factor 1; minus strand). Cytogenetic location: 22q13.33.
Variant type: single nucleotide variant.
Coding change: c.2329C>T on transcript NM_002972.4 (MANE Select); coding-DNA position 2329, C replaced by T.
Protein change: p.Arg777Cys; replaces arginine 777 with cysteine.
Molecular consequence: missense variant.
Genome position (GRCh38, 1-based): chr22:50,462,272, G>A on the plus strand (C>T on the coding strand, the complement: SBF1 is on the minus strand). VCF-style: chr22-50462272-G-A. GRCh37 (hg19) VCF-style: chr22-50900701-G-A.
Other names: c.2332C>T, p.Arg778Cys (NM_001365819.1); short protein forms R778C, R777C.
Identifiers: ClinVar variation 1376599 (VCV001376599.6), dbSNP rs777090431, ClinGen allele CA10317274.
Genomic context (GRCh38, chr22:50,462,272, plus strand): 5'-TGACCAGGCTGTTGCTGGCGCTCTCCAGGTCGCCCAGCCCGGCACGCTCCCGAAGTAGGC[G>A]GCTCTTGCTGCTGTCCAGGGGCAGGAGGAGGTAGCTCATGCGGTTGGCATAGTGGATGGC-3'
Protein context (NP_002963.2, residues 767-787): LLLPLDSSKS[Arg777Cys]LLRERAGLGD

ClinVar aggregate classification (germline): Uncertain significance (1 of 4 stars; one submission).

Allele frequency attached by ClinVar (database versions not stated): ExAC 0.00001; gnomAD exomes 0.00002.
gnomAD v4.1: 12 of 1,612,218 alleles (0.00074%); highest among the groups gnomAD compares: South Asian, 0.0033%; no homozygotes.

Submission:

Labcorp Genetics (formerly Invitae), Labcorp
Classification: Uncertain significance. Last evaluated: 2024-06-10. Review status: criteria provided, single submitter. Criteria: Invitae Variant Classification Sherloc (09022015). Collection method: clinical testing. Allele origin: germline.
Comment: This sequence change replaces arginine, which is basic and polar, with cysteine, which is neutral and slightly polar, at codon 777 of the SBF1 protein (p.Arg777Cys). This variant is present in population databases (rs777090431, gnomAD 0.006%). This variant has not been reported in the literature in individuals affected with SBF1-related conditions. ClinVar contains an entry for this variant (Variation ID: 1376599). Advanced modeling of protein sequence and biophysical properties (such as structural, functional, and spatial information, amino acid conservation, physicochemical variation, residue mobility, and thermodynamic stability) has been performed at Invitae for this missense variant, however the output from this modeling did not meet the statistical confidence thresholds required to predict the impact of this variant on SBF1 protein function. In summary, the available evidence is currently insufficient to determine the role of this variant in disease. Therefore, it has been classified as a Variant of Uncertain Significance.